The following is an entry in ClinVar:

NM_000124.4(ERCC6):c.*4208A>G

Gene: ERCC6 (ERCC excision repair 6, chromatin remodeling factor; minus strand). Cytogenetic location: 10q11.23.
Variant type: single nucleotide variant.
Coding change: c.*4208A>G on transcript NM_000124.4 (MANE Select); 4208 bases downstream of the stop codon, A replaced by G.
Molecular consequence: 3 prime UTR variant.
Genome position (GRCh38, 1-based): chr10:49,454,607, T>C on the plus strand (A>G on the coding strand, the complement: ERCC6 is on the minus strand). VCF-style: chr10-49454607-T-C. GRCh37 (hg19) VCF-style: chr10-50662653-T-C.
Other names: c.*4208A>G (NM_001346440.2).
Identifiers: ClinVar variation 879771 (VCV000879771.4), dbSNP rs182395696, ClinGen allele CA206611965.

ClinVar aggregate classification (germline): Likely benign. Review status: criteria provided, single submitter (1 of 4 stars). 3 submissions from 1 submitter: Likely benign (3). Last evaluated 2018-01-13.

Conditions:
Cockayne syndrome type 2 (CSB). Also called: COCKAYNE SYNDROME B; Cockayne Syndrome, Type II. Identifiers: Orphanet 191, Orphanet 90322, MedGen C0751038, MONDO:0019570, OMIM 133540.
Age related macular degeneration 5. Identifiers: MedGen C3151063, MONDO:0013409, OMIM 613761.
Cerebrooculofacioskeletal syndrome 1 (COFS1). Also called: Cerebro-oculo-facio-skeletal syndrome 1. Identifiers: MedGen C0220722, MONDO:0008955, OMIM 214150.

Allele frequency attached by ClinVar (database versions not stated): TOPMed 0.00012; gnomAD 0.00013 and 0.00014; 1000 Genomes Project 30x 0.00031; 1000 Genomes Project 0.00040.
gnomAD v4.1: 22 of 152,040 alleles (0.014%); highest among the groups gnomAD compares: Admixed American, 0.033%; no homozygotes.

Submissions (3):

Illumina Laboratory Services, Illumina
Classification: Likely benign for Cockayne syndrome type 2. Last evaluated: 2018-01-13. Review status: criteria provided, single submitter. Criteria: ICSL Variant Classification Criteria 13 December 2019. Collection method: clinical testing. Allele origin: germline.
Comment: This variant was observed in the ICSL laboratory as part of a predisposition screen in an ostensibly healthy population. It had not been previously curated by ICSL or reported in the Human Gene Mutation Database (HGMD: prior to June 1st, 2018), and was therefore a candidate for classification through an automated scoring system. Utilizing variant allele frequency, disease prevalence and penetrance estimates, and inheritance mode, an automated score was calculated to assess if this variant is too frequent to cause the disease. Based on the score and internal cut-off values, a variant classified as likely benign is not then subjected to further curation. The score for this variant resulted in a classification of likely benign for this disease.

Illumina Laboratory Services, Illumina
Classification: Likely benign for Cerebrooculofacioskeletal syndrome 1. Last evaluated: 2018-01-13. Review status: criteria provided, single submitter. Criteria: ICSL Variant Classification Criteria 13 December 2019. Collection method: clinical testing. Allele origin: germline.
Comment: the same text as in the submission from Illumina Laboratory Services, Illumina above.

Illumina Laboratory Services, Illumina
Classification: Likely benign for Age related macular degeneration 5. Last evaluated: 2018-01-13. Review status: criteria provided, single submitter. Criteria: ICSL Variant Classification Criteria 13 December 2019. Collection method: clinical testing. Allele origin: germline.
Comment: the same text as in the submission from Illumina Laboratory Services, Illumina above.